The following is an entry in ClinVar:

NM_001378120.1(MBD5):c.1205C>T (p.Pro402Leu)

Gene: MBD5 (methyl-CpG binding domain protein 5; plus strand). Cytogenetic location: 2q23.1.
Variant type: single nucleotide variant.
Coding change: c.1205C>T on transcript NM_001378120.1 (MANE Select); coding-DNA position 1205, C replaced by T.
Protein change: p.Pro402Leu; replaces proline 402 with leucine.
Molecular consequence: missense variant.
Genome position (GRCh38, 1-based): chr2:148,469,148, C>T. VCF-style: chr2-148469148-C-T. GRCh37 (hg19) VCF-style: chr2-149226717-C-T.
Other names: c.1205C>T, p.Pro402Leu (NM_018328.5); short protein forms P402L.
Identifiers: ClinVar variation 2711130 (VCV002711130.3), dbSNP rs2469862505, ClinGen allele CA348719194.

ClinVar aggregate classification (germline): Uncertain significance (1 of 4 stars; one submission).

Conditions:
Intellectual developmental disorder, autosomal dominant 1. Also called: Intellectual disability, autosomal dominant 1; MBD5 Haploinsufficiency. Identifiers: Orphanet 228402, MedGen C1969562, MONDO:0007974, OMIM 156200.

Submission:

Labcorp Genetics (formerly Invitae), Labcorp
Classification: Uncertain significance for Intellectual developmental disorder, autosomal dominant 1. Last evaluated: 2024-01-24. Review status: criteria provided, single submitter. Criteria: Invitae Variant Classification Sherloc (09022015). Collection method: clinical testing. Allele origin: germline.
Comment: This sequence change replaces proline, which is neutral and non-polar, with leucine, which is neutral and non-polar, at codon 402 of the MBD5 protein (p.Pro402Leu). This variant is not present in population databases (gnomAD no frequency). This variant has not been reported in the literature in individuals affected with MBD5-related conditions. Advanced modeling of protein sequence and biophysical properties (such as structural, functional, and spatial information, amino acid conservation, physicochemical variation, residue mobility, and thermodynamic stability) has been performed at Invitae for this missense variant, however the output from this modeling did not meet the statistical confidence thresholds required to predict the impact of this variant on MBD5 protein function. In summary, the available evidence is currently insufficient to determine the role of this variant in disease. Therefore, it has been classified as a Variant of Uncertain Significance.